The following is an entry in ClinVar:

ClinVar aggregate classification (germline): Uncertain significance (1 of 4 stars; one submission).

Submission:

Dasa
Classification: Uncertain significance. Last evaluated: 2024-09-26. Review status: criteria provided, single submitter. Criteria: DASA Assertion Criteria. Collection method: clinical testing. Allele origin: germline.
Comment: NM_000458.4(HNF1B):c.883C>G (p.Arg295Gly) is a missense variant that results in the substitution of arginine with glycine. The affected residue or protein region has prior evidence supporting clinical relevance. This variant is absent from population databases. Computational prediction algorithms are consistent with a deleterious effect. The currently available literature and clinical evidence are not sufficient to establish a definitive association between this variant and the reported condition. Therefore, this variant is classified as a variant of uncertain significance.

NM_000458.4(HNF1B):c.883C>G (p.Arg295Gly)

Gene: HNF1B (HNF1 homeobox B; minus strand). Cytogenetic location: 17q12.
Variant type: single nucleotide variant.
Coding change: c.883C>G on transcript NM_000458.4 (MANE Select); coding-DNA position 883, C replaced by G.
Protein change: p.Arg295Gly; replaces arginine 295 with glycine.
Molecular consequence: missense variant.
Genome position (GRCh38, 1-based): chr17:37,731,757, G>C on the plus strand (C>G on the coding strand, the complement: HNF1B is on the minus strand). VCF-style: chr17-37731757-G-C. GRCh37 (hg19) VCF-style: chr17-36091748-G-C.
Other names: c.805C>G, p.Arg269Gly (NM_001165923.4, NM_001304286.2); c.883C>G, p.Arg295Gly (NM_001411100.1); short protein forms R269G, R295G.
Identifiers: ClinVar variation 4852711 (VCV004852711.2).